The following is an entry in ClinVar:

ClinVar aggregate classification (germline): Pathogenic/Likely pathogenic. Review status: no assertion criteria provided (0 of 4 stars). 2 submissions from 2 submitters: Pathogenic (1); Likely pathogenic (1). Last evaluated 2024-03-26.

Conditions:
NEK1-related disorder. Also called: NEK1-related condition.
Asphyxiating thoracic dystrophy 3. Also called: Saldino-Noonan Syndrome; Short rib polydactyly syndrome 2B; SHORT-RIB THORACIC DYSPLASIA 3 WITH OR WITHOUT POLYDACTYLY; POLYDACTYLY WITH NEONATAL CHONDRODYSTROPHY, TYPE I; SHORT-RIB THORACIC DYSPLASIA 3/6 WITH POLYDACTYLY, DIGENIC. Identifiers: Orphanet 474, Orphanet 93269, Orphanet 93270, Orphanet 93271, MedGen C0036069, MONDO:0013127, OMIM 613091.

Submissions (2):

PreventionGenetics, part of Exact Sciences
Classification: Likely pathogenic for NEK1-related condition. Last evaluated: 2024-03-26. Review status: no assertion criteria provided. Collection method: clinical testing. Allele origin: germline.
Comment: The NEK1 c.1640dupA variant is predicted to result in a frameshift and premature protein termination (p.Asn547Lysfs*2). This variant has not been reported in amyotrophic lateral sclerosis. However, it was reported in an individual with short rib-polydactyly syndrome in the absence of a second variant in NEK1 (see family 3, Thiel et al. 2011. PubMed ID: 21211617). In this family, another variant in the gene, DYN2CH1, was also proposed to contribute to the ciliopathy phenotype suggesting the possibility of digenic inheritance. This variant has not been reported in a large population database, indicating this variant is rare. Frameshift variants in NEK1 are expected to be pathogenic; however, they are known to display incomplete penetrance. This variant is interpreted as likely pathogenic.

OMIM
Classification: Pathogenic for SHORT-RIB THORACIC DYSPLASIA 3/6 WITH POLYDACTYLY, DIGENIC. Last evaluated: 2011-01-07. Review status: no assertion criteria provided. Collection method: literature only. Allele origin: germline.

Literature cited by the submitters: PubMed 21211617 (cited by OMIM).

NM_001199397.3(NEK1):c.1640dup (p.Asn547fs)

Gene: NEK1 (NIMA related kinase 1; minus strand). Cytogenetic location: 4q33.
Variant type: Duplication.
Coding change: c.1640dup on transcript NM_001199397.3 (MANE Select); coding-DNA position 1640, one base duplicated (A; older notation c.1640dupA).
Protein change: p.Asn547fs; shifts the reading frame from asparagine 547.
Molecular consequence: frameshift variant. On other transcripts: non-coding transcript variant (1).
Genome position (GRCh38, 1-based): chr4:169,537,834, T duplicated on the plus strand (A on the coding strand, the reverse complement: NEK1 is on the minus strand); the first of 2 consecutive T bases (chr4:169,537,834-169,537,835); duplicating either gives the same sequence. VCF-style (leftmost placement, unchanged base first): chr4-169537833-A-AT. GRCh37 (hg19) VCF-style: chr4-170458984-A-AT.
Other names: c.1508dup, p.Asn503fs (NM_001199398.3, NM_001199400.3); c.1433dup, p.Asn478fs (NM_001199399.3); c.1640dup, p.Asn547fs (NM_001374418.1, NM_001374419.1, NM_012224.4); c.1589dup, p.Asn530fs (NM_001374420.1); c.1514dup, p.Asn505fs (NM_001374421.1); c.1640dupA (NM_012224.2); short protein forms N547fs, N478fs, N503fs, N505fs, N530fs.
Identifiers: ClinVar variation 30430 (VCV000030430.2), dbSNP rs483352907, ClinGen allele CA210568.